The following is an entry in ClinVar:

ClinVar aggregate classification (germline): Uncertain significance (1 of 4 stars; one submission).

Conditions:
Spondyloepimetaphyseal dysplasia, aggrecan type. Also called: SEMD, AGGRECAN TYPE. Identifiers: Orphanet 171866, MedGen C2748544, MONDO:0013014, OMIM 612813.

Allele frequency attached by ClinVar (database versions not stated): gnomAD 0.00001; gnomAD exomes 0.00002; ExAC 0.00011.
gnomAD v4.1: 38 of 1,605,672 alleles (0.0024%); highest among the groups gnomAD compares: South Asian, 0.038%; 2 homozygotes.

Submission:

Foundation for Research in Genetics and Endocrinology, FRIGE's Institute of Human Genetics
Classification: Uncertain significance for Spondyloepimetaphyseal dysplasia, aggrecan type. Last evaluated: 2022-11-25. Review status: criteria provided, single submitter. Criteria: ACMG Guidelines, 2015. Collection method: clinical testing. Allele origin: germline. Inheritance: Autosomal recessive inheritance. Affected: yes. Observed: 1 homozygote.
Comment: A homozygous missense variation in exon 10 of the ACAN gene that results in the amino acid substitution of Glycine for Alanine at codon 606 (p.Ala606Gly) was detected. The p.Ala606Gly variant has not been reported in the 1000 genomes and gnomAD databases. The in silico predictions of the variant are probably damaging by PolyPhen-2 (HumDiv) and damaging by SIFT. The reference codon is conserved across species. In summary, the variant meets our criteria to be classified as variant of uncertain significance.

NM_001369268.1(ACAN):c.1817C>G (p.Ala606Gly)

Gene: ACAN (aggrecan; plus strand). Cytogenetic location: 15q26.1.
Variant type: single nucleotide variant.
Coding change: c.1817C>G on transcript NM_001369268.1 (MANE Select); coding-DNA position 1817, C replaced by G.
Protein change: p.Ala606Gly; replaces alanine 606 with glycine.
Molecular consequence: missense variant.
Genome position (GRCh38, 1-based): chr15:88,849,522, C>G. VCF-style: chr15-88849522-C-G. GRCh37 (hg19) VCF-style: chr15-89392753-C-G.
Other names: p.Ala606Gly; c.1817C>G, p.Ala606Gly (NM_001135.4, NM_001411096.1, NM_001411097.1 and 1 more transcripts); short protein forms A606G.
Identifiers: ClinVar variation 1804881 (VCV001804881.2), dbSNP rs757476544, ClinGen allele CA7719698.